The following is an entry in ClinVar:

NM_001368894.2(PAX6):c.808G>T (p.Val270Leu)

Gene: PAX6 (paired box 6; minus strand). Cytogenetic location: 11p13.
Variant type: single nucleotide variant.
Coding change: c.808G>T on transcript NM_001368894.2 (MANE Select); coding-DNA position 808, G replaced by T.
Protein change: p.Val270Leu; replaces valine 270 with leucine.
Molecular consequence: missense variant. On other transcripts: non-coding transcript variant (2).
Genome position (GRCh38, 1-based): chr11:31,793,802, C>A on the plus strand (G>T on the coding strand, the complement: PAX6 is on the minus strand). VCF-style: chr11-31793802-C-A. GRCh37 (hg19) VCF-style: chr11-31815350-C-A.
Other names: c.766G>T, p.Val256Leu (NM_000280.6, NM_001127612.3, NM_001258464.2 and 10 more transcripts); c.808G>T, p.Val270Leu (NM_001258462.3, NM_001258463.2, NM_001310158.2 and 6 more transcripts); c.358G>T, p.Val120Leu (NM_001310160.2, NM_001310161.3, NM_001368899.2 and 11 more transcripts); c.1009G>T, p.Val337Leu (NM_001368910.2); c.811G>T, p.Val271Leu (NM_001368911.2); c.883G>T, p.Val295Leu (NM_001368918.2, NM_001368919.2); c.841G>T, p.Val281Leu (NM_001368920.2); c.607G>T, p.Val203Leu (NM_001368921.2, NM_001368922.2, NM_001368923.2 and 4 more transcripts); and 2 more; short protein forms V256L, V281L, V337L, V120L, V270L, V203L, V295L, V189L.
Identifiers: ClinVar variation 845700 (VCV000845700.9), dbSNP rs779126789, ClinGen allele CA379956585.
Genomic context (GRCh38, chr11:31,793,802, plus strand): 5'-TTCTCTGATTCCTCAGTTTTTCTTCTCTTCTCCATTTGGCCCTTCGATTAGAAAACCATA[C>A]CTGGAAATCAGGTGGGACAGGTTAGCACTGTGTCTACGTCGAGCCCAGCCCCACCTTGGC-3'
Protein context (NP_001355823.1, residues 260-280): KIDLPEARIQ[Val270Leu]WFSNRRAKWR

ClinVar aggregate classification (germline): Uncertain significance (1 of 4 stars; one submission).

Conditions:
Aniridia 1 (AN1). Identifiers: Orphanet 250923, MedGen C0344542, MONDO:0024507, OMIM 106210.
Irido-corneo-trabecular dysgenesis (ASGD5). Also called: ANTERIOR SEGMENT DYSGENESIS 5. Identifiers: Orphanet 708, MedGen C0344559, MONDO:0011414, OMIM 604229, HP:0000659.

Submission:

Labcorp Genetics (formerly Invitae), Labcorp
Classification: Uncertain significance for Aniridia 1; Irido-corneo-trabecular dysgenesis. Last evaluated: 2019-02-20. Review status: criteria provided, single submitter. Criteria: Invitae Variant Classification Sherloc (09022015). Collection method: clinical testing. Allele origin: germline.
Comment: In summary, the available evidence is currently insufficient to determine the role of this variant in disease. Therefore, it has been classified as a Variant of Uncertain Significance. Algorithms developed to predict the effect of sequence changes on RNA splicing suggest that this variant may disrupt the consensus splice site, but this prediction has not been confirmed by published transcriptional studies. Algorithms developed to predict the effect of missense changes on protein structure and function (SIFT, PolyPhen-2, Align-GVGD) all suggest that this variant is likely to be disruptive, but these predictions have not been confirmed by published functional studies and their clinical significance is uncertain. This variant has not been reported in the literature in individuals with PAX6-related conditions. This variant is not present in population databases (ExAC no frequency). This sequence change replaces valine with leucine at codon 256 of the PAX6 protein (p.Val256Leu). The valine residue is highly conserved and there is a small physicochemical difference between valine and leucine.